The following is an entry in ClinVar:

ClinVar aggregate classification (germline): Pathogenic (1 of 4 stars; one submission).

Submission:

Labcorp Genetics (formerly Invitae), Labcorp
Classification: Pathogenic. Last evaluated: 2023-06-17. Review status: criteria provided, single submitter. Criteria: Invitae Variant Classification Sherloc (09022015). Collection method: clinical testing. Allele origin: germline.
Comment: For these reasons, this variant has been classified as Pathogenic. This variant has not been reported in the literature in individuals affected with ANK1-related conditions. This variant is not present in population databases (gnomAD no frequency). This sequence change creates a premature translational stop signal (p.Asn105Thrfs*35) in the ANK1 gene. It is expected to result in an absent or disrupted protein product. Loss-of-function variants in ANK1 are known to be pathogenic (PMID: 8640229).

Literature cited by the submitters: PubMed 8640229.

NM_000037.4(ANK1):c.312del (p.Asn105fs)

Gene: ANK1 (ankyrin 1; minus strand). Cytogenetic location: 8p11.21.
Variant type: Deletion.
Coding change: c.312del on transcript NM_000037.4 (MANE Select); coding-DNA position 312, one base deleted (C; older notation c.312delC).
Protein change: p.Asn105fs; shifts the reading frame from asparagine 105.
Molecular consequence: frameshift variant.
Genome position (GRCh38, 1-based): chr8:41,727,923, G deleted on the plus strand (C on the coding strand, the reverse complement: ANK1 is on the minus strand). VCF-style (leftmost placement, unchanged base first): chr8-41727922-TG-T. GRCh37 (hg19) VCF-style: chr8-41585440-TG-T.
Other names: c.411del, p.Asn138fs (NM_001142446.2); c.312del, p.Asn105fs (NM_020475.3, NM_020476.3, NM_020477.3); short protein forms N138fs, N105fs.
Identifiers: ClinVar variation 2718710 (VCV002718710.3), dbSNP rs2487002050, ClinGen allele CA2697549887.